The following is an entry in ClinVar:

ClinVar aggregate classification (germline): Uncertain significance (1 of 4 stars; one submission).

gnomAD v4.1: 2 of 1,612,502 alleles (0.00012%); highest among the groups gnomAD compares: African/African-American, 0.0027%; no homozygotes.

Submission:

Labcorp Genetics (formerly Invitae), Labcorp
Classification: Uncertain significance. Last evaluated: 2024-03-24. Review status: criteria provided, single submitter. Criteria: Invitae Variant Classification Sherloc (09022015). Collection method: clinical testing. Allele origin: germline.
Comment: This sequence change replaces tryptophan, which is neutral and slightly polar, with arginine, which is basic and polar, at codon 157 of the DUOX2 protein (p.Trp157Arg). This variant is present in population databases (no rsID available, gnomAD 0.007%). This variant has not been reported in the literature in individuals affected with DUOX2-related conditions. Advanced modeling of protein sequence and biophysical properties (such as structural, functional, and spatial information, amino acid conservation, physicochemical variation, residue mobility, and thermodynamic stability) performed at Invitae indicates that this missense variant is expected to disrupt DUOX2 protein function with a positive predictive value of 80%. In summary, the available evidence is currently insufficient to determine the role of this variant in disease. Therefore, it has been classified as a Variant of Uncertain Significance.

NM_001363711.2(DUOX2):c.469T>A (p.Trp157Arg)

Gene: DUOX2 (dual oxidase 2; minus strand). Cytogenetic location: 15q21.1.
Variant type: single nucleotide variant.
Coding change: c.469T>A on transcript NM_001363711.2 (MANE Select); coding-DNA position 469, T replaced by A.
Protein change: p.Trp157Arg; replaces tryptophan 157 with arginine.
Molecular consequence: missense variant.
Genome position (GRCh38, 1-based): chr15:45,111,812, A>T on the plus strand (T>A on the coding strand, the complement: DUOX2 is on the minus strand). VCF-style: chr15-45111812-A-T. GRCh37 (hg19) VCF-style: chr15-45404010-A-T.
Other names: c.469T>A, p.Trp157Arg (NM_014080.5); short protein forms W157R.
Identifiers: ClinVar variation 3687800 (VCV003687800.2).